The following is an entry in ClinVar:

NM_000168.6(GLI3):c.758A>T (p.Asp253Val)

Gene: GLI3 (GLI family zinc finger 3; minus strand). Cytogenetic location: 7p14.1.
Variant type: single nucleotide variant.
Coding change: c.758A>T on transcript NM_000168.6 (MANE Select); coding-DNA position 758, A replaced by T.
Protein change: p.Asp253Val; replaces aspartic acid 253 with valine.
Molecular consequence: missense variant.
Genome position (GRCh38, 1-based): chr7:42,045,452, T>A on the plus strand (A>T on the coding strand, the complement: GLI3 is on the minus strand). VCF-style: chr7-42045452-T-A. GRCh37 (hg19) VCF-style: chr7-42085051-T-A.
Other names: short protein forms D253V.
Identifiers: ClinVar variation 2630830 (VCV002630830.1), dbSNP rs2128741235, ClinGen allele CA367331070.
Genomic context (GRCh38, chr7:42,045,452, plus strand): 5'-GCATGAAGATATTCCATGTGGATGGCCCCCGTGCCGGCGGTGGCAGCTGAGGGAATAATG[T>A]CTGCATAGGGGCTGCGCTGGCCAGTTAGCAGGGCCATCTGATGATAGTATTCTGCTGGGC-3'
Protein context (NP_000159.3, residues 243-263): LLTGQRSPYA[Asp253Val]IIPSAATAGT

ClinVar aggregate classification (germline): Uncertain significance (1 of 4 stars; one submission).

Conditions:
GLI3-related disorder. Also called: GLI3-related condition; GLI3-related disorders. Identifiers: MedGen CN239292.

Submission:

PreventionGenetics, part of Exact Sciences
Classification: Uncertain significance for GLI3-related condition. Last evaluated: 2023-09-01. Review status: criteria provided, single submitter. Criteria: ACMG Guidelines, 2015. Collection method: clinical testing. Allele origin: germline.
Comment: The GLI3 c.758A>T variant is predicted to result in the amino acid substitution p.Asp253Val. To our knowledge, this variant has not been reported in the literature or in a large population database, indicating this variant is rare. At this time, the clinical significance of this variant is uncertain due to the absence of conclusive functional and genetic evidence.